The following is an entry in ClinVar:

ClinVar aggregate classification (germline): Uncertain significance (1 of 4 stars; one submission).

Conditions:
Inborn genetic diseases. Identifiers: MedGen C0950123, MeSH D030342.

Submission:

Ambry Genetics
Classification: Uncertain significance for Inborn genetic diseases. Last evaluated: 2024-02-09. Review status: criteria provided, single submitter. Criteria: Ambry Variant Classification Scheme 2023. Collection method: clinical testing. Allele origin: germline.
Comment: The p.G2385D variant (also known as c.7154G>A), located in coding exon 42 of the ATR gene, results from a G to A substitution at nucleotide position 7154. The glycine at codon 2385 is replaced by aspartic acid, an amino acid with similar properties. This amino acid position is conserved. In addition, this alteration is predicted to be deleterious by in silico analysis. Based on the available evidence, the clinical significance of this alteration remains unclear.

NM_001184.4(ATR):c.7154G>A (p.Gly2385Asp)

Gene: ATR (ATR checkpoint kinase; minus strand). Cytogenetic location: 3q23.
Variant type: single nucleotide variant.
Coding change: c.7154G>A on transcript NM_001184.4 (MANE Select); coding-DNA position 7154, G replaced by A.
Protein change: p.Gly2385Asp; replaces glycine 2385 with aspartic acid.
Molecular consequence: missense variant.
Genome position (GRCh38, 1-based): chr3:142,461,978, C>T on the plus strand (G>A on the coding strand, the complement: ATR is on the minus strand). VCF-style: chr3-142461978-C-T. GRCh37 (hg19) VCF-style: chr3-142180820-C-T.
Other names: c.6962G>A, p.Gly2321Asp (NM_001354579.2); short protein forms G2321D, G2385D.
Identifiers: ClinVar variation 3221280 (VCV003221280.1), dbSNP rs2108265857, ClinGen allele CA354799315.